The following is an entry in ClinVar:

NM_014244.5(ADAMTS2):c.449C>G (p.Pro150Arg)

Gene: ADAMTS2 (ADAM metallopeptidase with thrombospondin type 1 motif 2; minus strand). Cytogenetic location: 5q35.3.
Variant type: single nucleotide variant.
Coding change: c.449C>G on transcript NM_014244.5 (MANE Select); coding-DNA position 449, C replaced by G.
Protein change: p.Pro150Arg; replaces proline 150 with arginine.
Molecular consequence: missense variant.
Genome position (GRCh38, 1-based): chr5:179,343,852, G>C on the plus strand (C>G on the coding strand, the complement: ADAMTS2 is on the minus strand). VCF-style: chr5-179343852-G-C. GRCh37 (hg19) VCF-style: chr5-178770853-G-C.
Other names: c.449C>G (NM_014244.4); c.449C>G, p.Pro150Arg (NM_021599.4); short protein forms P150R.
Identifiers: ClinVar variation 2061994 (VCV002061994.5), dbSNP rs1389404366, ClinGen allele CA362622527.

ClinVar aggregate classification (germline): Uncertain significance. Review status: criteria provided, multiple submitters, no conflicts (2 of 4 stars). 2 submissions from 2 submitters: Uncertain significance (2). Last evaluated 2023-02-16.

Conditions:
Ehlers-Danlos syndrome, dermatosparaxis type. Also called: EDS VIIC; Ehlers-Danlos syndrome, type VII, autosomal recessive; Dermatosparaxis. Identifiers: Orphanet 1901, MedGen C2700425, MONDO:0009161, OMIM 225410.

Allele frequency attached by ClinVar (database versions not stated): TOPMed below 0.00001; gnomAD 0.00001.
gnomAD v4.1: 7 of 1,600,036 alleles (0.00044%); highest among the groups gnomAD compares: Non-Finnish European, 0.0006%; no homozygotes.

Submissions (2):

GeneDx
Classification: Uncertain significance. Last evaluated: 2023-02-16. Review status: criteria provided, single submitter. Criteria: GeneDx Variant Classification Process June 2021. Collection method: clinical testing. Allele origin: germline. Affected: yes.
Comment: Not observed at significant frequency in large population cohorts (gnomAD); In silico analysis supports that this missense variant has a deleterious effect on protein structure/function; Has not been previously published as pathogenic or benign to our knowledge

Labcorp Genetics (formerly Invitae), Labcorp
Classification: Uncertain significance for Ehlers-Danlos syndrome, dermatosparaxis type. Last evaluated: 2022-05-25. Review status: criteria provided, single submitter. Criteria: Invitae Variant Classification Sherloc (09022015). Collection method: clinical testing. Allele origin: germline.
Comment: In summary, the available evidence is currently insufficient to determine the role of this variant in disease. Therefore, it has been classified as a Variant of Uncertain Significance. Algorithms developed to predict the effect of missense changes on protein structure and function are either unavailable or do not agree on the potential impact of this missense change (SIFT: "Deleterious"; PolyPhen-2: "Probably Damaging"; Align-GVGD: "Class C0"). This variant has not been reported in the literature in individuals affected with ADAMTS2-related conditions. This variant is present in population databases (no rsID available, gnomAD 0.002%). This sequence change replaces proline, which is neutral and non-polar, with arginine, which is basic and polar, at codon 150 of the ADAMTS2 protein (p.Pro150Arg).